The following is an entry in ClinVar:

ClinVar aggregate classification (germline): Uncertain significance (1 of 4 stars; one submission).

Conditions:
Cardiovascular phenotype. Identifiers: MedGen CN230736.

Allele frequency attached by ClinVar (database versions not stated): TOPMed below 0.00001.

Submission:

Ambry Genetics
Classification: Uncertain significance for Cardiovascular phenotype. Last evaluated: 2022-09-05. Review status: criteria provided, single submitter. Criteria: Ambry Variant Classification Scheme 2023. Collection method: clinical testing. Allele origin: germline.
Comment: The p.G27V variant (also known as c.80G>T), located in coding exon 2 of the NEXN gene, results from a G to T substitution at nucleotide position 80. The glycine at codon 27 is replaced by valine, an amino acid with dissimilar properties. This amino acid position is conserved. In addition, this alteration is predicted to be tolerated by in silico analysis. Since supporting evidence is limited at this time, the clinical significance of this alteration remains unclear.

NM_144573.4(NEXN):c.80G>T (p.Gly27Val)

Gene: NEXN (nexilin F-actin binding protein; plus strand). Cytogenetic location: 1p31.1.
Variant type: single nucleotide variant.
Coding change: c.80G>T on transcript NM_144573.4 (MANE Select); coding-DNA position 80, G replaced by T.
Protein change: p.Gly27Val; replaces glycine 27 with valine.
Molecular consequence: missense variant. On other transcripts: intron variant (1).
Genome position (GRCh38, 1-based): chr1:77,917,618, G>T. VCF-style: chr1-77917618-G-T. GRCh37 (hg19) VCF-style: chr1-78383303-G-T.
Other names: c.28-342G>T (NM_001172309.2); short protein forms G27V.
Identifiers: ClinVar variation 1762001 (VCV001762001.2), dbSNP rs1473681629, ClinGen allele CA340885232.